The following is an entry in ClinVar:

ClinVar aggregate classification (germline): Uncertain significance. Review status: criteria provided, multiple submitters, no conflicts (2 of 4 stars). 2 submissions from 2 submitters: Uncertain significance (2). Last evaluated 2025-05-06.

Conditions:
Inborn genetic diseases. Identifiers: MedGen C0950123, MeSH D030342.

Allele frequency attached by ClinVar (database versions not stated): TOPMed 0.00003; gnomAD 0.00007; gnomAD exomes 0.00001; ExAC 0.00007.
gnomAD v4.1: 28 of 1,613,982 alleles (0.0017%); highest among the groups gnomAD compares: East Asian, 0.053%; no homozygotes.

Submissions (2):

Ambry Genetics
Classification: Uncertain significance for Inborn genetic diseases. Last evaluated: 2025-05-06. Review status: criteria provided, single submitter. Criteria: Ambry Variant Classification Scheme 2023. Collection method: clinical testing. Allele origin: germline.

Labcorp Genetics (formerly Invitae), Labcorp
Classification: Uncertain significance. Last evaluated: 2022-08-06. Review status: criteria provided, single submitter. Criteria: Invitae Variant Classification Sherloc (09022015). Collection method: clinical testing. Allele origin: germline.
Comment: In summary, the available evidence is currently insufficient to determine the role of this variant in disease. Therefore, it has been classified as a Variant of Uncertain Significance. Algorithms developed to predict the effect of missense changes on protein structure and function output the following: SIFT: "Not Available"; PolyPhen-2: "Benign"; Align-GVGD: "Not Available". The serine amino acid residue is found in multiple mammalian species, which suggests that this missense change does not adversely affect protein function. This variant has not been reported in the literature in individuals affected with EPS8-related conditions. This variant is present in population databases (rs750798253, gnomAD 0.1%). This sequence change replaces asparagine, which is neutral and polar, with serine, which is neutral and polar, at codon 496 of the EPS8 protein (p.Asn496Ser).

NM_004447.6(EPS8):c.1487A>G (p.Asn496Ser)

Gene: EPS8 (EGFR pathway substrate 8, signaling adaptor; minus strand). Cytogenetic location: 12p12.3.
Variant type: single nucleotide variant.
Coding change: c.1487A>G on transcript NM_004447.6 (MANE Select); coding-DNA position 1487, A replaced by G.
Protein change: p.Asn496Ser; replaces asparagine 496 with serine.
Molecular consequence: missense variant.
Genome position (GRCh38, 1-based): chr12:15,647,208, T>C on the plus strand (A>G on the coding strand, the complement: EPS8 is on the minus strand). VCF-style: chr12-15647208-T-C. GRCh37 (hg19) VCF-style: chr12-15800142-T-C.
Other names: c.1487A>G, p.Asn496Ser (NM_001413831.1, NM_001413832.1, NM_001413833.1 and 1 more transcripts); c.1247A>G, p.Asn416Ser (NM_001413835.1, NM_001413836.1); c.1070A>G, p.Asn357Ser (NM_001413837.1); c.707A>G, p.Asn236Ser (NM_001413838.1); c.1487A>G (NM_004447.5); short protein forms N357S, N496S, N236S, N416S.
Identifiers: ClinVar variation 1939636 (VCV001939636.6), dbSNP rs750798253, ClinGen allele CA6467547.